The following is an entry in ClinVar:

ClinVar aggregate classification (germline): Likely pathogenic (1 of 4 stars; one submission).

Submission:

Labcorp Genetics (formerly Invitae), Labcorp
Classification: Likely pathogenic. Last evaluated: 2022-08-24. Review status: criteria provided, single submitter. Criteria: Invitae Variant Classification Sherloc (09022015). Collection method: clinical testing. Allele origin: germline.
Comment: This sequence change affects a donor splice site in intron 32 of the IARS gene. It is expected to disrupt RNA splicing. Variants that disrupt the donor or acceptor splice site typically lead to a loss of protein function (PMID: 16199547), and loss-of-function variants in IARS are known to be pathogenic (PMID: 27426735, 27891590). This variant is not present in population databases (gnomAD no frequency). This variant has not been reported in the literature in individuals affected with IARS-related conditions. Algorithms developed to predict the effect of sequence changes on RNA splicing suggest that this variant may disrupt the consensus splice site. In summary, the currently available evidence indicates that the variant is pathogenic, but additional data are needed to prove that conclusively. Therefore, this variant has been classified as Likely Pathogenic.

Literature cited by the submitters: PubMed 16199547; PubMed 27426735; PubMed 27891590.

NM_002161.6(IARS1):c.3553+1G>A

Gene: IARS1 (isoleucyl-tRNA synthetase 1; minus strand). Cytogenetic location: 9q22.31.
Variant type: single nucleotide variant.
Coding change: c.3553+1G>A on transcript NM_002161.6 (MANE Select); the canonical splice donor site of the intron after coding-DNA position 3553, G replaced by A.
Molecular consequence: splice donor variant. On other transcripts: intron variant (1).
Genome position (GRCh38, 1-based): chr9:92,223,345, C>T on the plus strand (G>A on the coding strand, the complement: IARS1 is on the minus strand). VCF-style: chr9-92223345-C-T. GRCh37 (hg19) VCF-style: chr9-94985627-C-T.
Other names: c.3553+1G>A (NM_001378573.1, NM_001378586.1, NM_001378574.1 and 3 more transcripts); c.3430+1G>A (NM_001378583.1); c.3469+1G>A (NM_001374301.1); c.3457+1G>A (NM_001378582.1); c.3418+1G>A (NM_001378584.1); c.3478+1G>A (NM_001374299.1, NM_001374300.1); c.3511+1G>A (NM_001378577.1); c.3410-673G>A (NM_001378585.1); and 3 more.
Identifiers: ClinVar variation 2020593 (VCV002020593.4), dbSNP rs2490127977, ClinGen allele CA373805095.